The following is an entry in ClinVar:

ClinVar aggregate classification (germline): Uncertain significance (1 of 4 stars; one submission).

Conditions:
Hereditary cancer-predisposing syndrome. Also called: Hereditary Cancer Syndrome; Hereditary neoplastic syndrome; Tumor predisposition; Neoplastic Syndromes, Hereditary. Identifiers: Orphanet 140162, MedGen C0027672, MeSH D009386, MONDO:0015356.

Submission:

Ambry Genetics
Classification: Uncertain significance for Hereditary cancer-predisposing syndrome. Last evaluated: 2021-09-26. Review status: criteria provided, single submitter. Criteria: Ambry Variant Classification Scheme 2023. Collection method: clinical testing. Allele origin: germline.
Comment: The p.T83K variant (also known as c.248C>A), located in coding exon 3 of the XRCC2 gene, results from a C to A substitution at nucleotide position 248. The threonine at codon 83 is replaced by lysine, an amino acid with similar properties. This amino acid position is conserved. In addition, this alteration is predicted to be deleterious by in silico analysis. Since supporting evidence is limited at this time, the clinical significance of this alteration remains unclear.

NM_005431.2(XRCC2):c.248C>A (p.Thr83Lys)

Gene: XRCC2 (X-ray repair cross complementing 2; minus strand). Cytogenetic location: 7q36.1.
Variant type: single nucleotide variant.
Coding change: c.248C>A on transcript NM_005431.2 (MANE Select); coding-DNA position 248, C replaced by A.
Protein change: p.Thr83Lys; replaces threonine 83 with lysine.
Molecular consequence: missense variant.
Genome position (GRCh38, 1-based): chr7:152,649,237, G>T on the plus strand (C>A on the coding strand, the complement: XRCC2 is on the minus strand). VCF-style: chr7-152649237-G-T. GRCh37 (hg19) VCF-style: chr7-152346322-G-T.
Other names: short protein forms T83K.
Identifiers: ClinVar variation 1792040 (VCV001792040.2), dbSNP rs1165041758, ClinGen allele CA370199115.